The following is an entry in ClinVar:

ClinVar aggregate classification (germline): Uncertain significance (1 of 4 stars; one submission).

Allele frequency attached by ClinVar (database versions not stated): gnomAD exomes below 0.00001 and 0.00001; ExAC 0.00001; gnomAD 0.00001 and 0.00005; TOPMed 0.00002.
gnomAD v4.1: 14 of 1,614,040 alleles (0.00087%); highest among the groups gnomAD compares: Middle Eastern, 0.017%; no homozygotes.

Submission:

Labcorp Genetics (formerly Invitae), Labcorp
Classification: Uncertain significance. Last evaluated: 2022-02-25. Review status: criteria provided, single submitter. Criteria: Invitae Variant Classification Sherloc (09022015). Collection method: clinical testing. Allele origin: germline.
Comment: This sequence change replaces serine, which is neutral and polar, with leucine, which is neutral and non-polar, at codon 804 of the HPS3 protein (p.Ser804Leu). This variant is present in population databases (rs552963632, gnomAD 0.007%). This variant has not been reported in the literature in individuals affected with HPS3-related conditions. Algorithms developed to predict the effect of missense changes on protein structure and function are either unavailable or do not agree on the potential impact of this missense change (SIFT: "Tolerated"; PolyPhen-2: "Probably Damaging"; Align-GVGD: "Class C0"). Algorithms developed to predict the effect of sequence changes on RNA splicing suggest that this variant may create or strengthen a splice site. In summary, the available evidence is currently insufficient to determine the role of this variant in disease. Therefore, it has been classified as a Variant of Uncertain Significance.

NM_032383.5(HPS3):c.2411C>T (p.Ser804Leu)

Genes: CP (ceruloplasmin; minus strand), HPS3 (HPS3 biogenesis of lysosomal organelles complex 2 subunit 1; plus strand). Cytogenetic location: 3q24.
Variant type: single nucleotide variant.
Coding change: c.2411C>T on transcript NM_032383.5 (MANE Select); coding-DNA position 2411, C replaced by T.
Protein change: p.Ser804Leu; replaces serine 804 with leucine.
Molecular consequence: missense variant. On other transcripts: non-coding transcript variant (1).
Genome position (GRCh38, 1-based): chr3:149,162,808, C>T. VCF-style: chr3-149162808-C-T. GRCh37 (hg19) VCF-style: chr3-148880595-C-T.
Other names: c.1916C>T, p.Ser639Leu (NM_001308258.2); short protein forms S639L, S804L.
Identifiers: ClinVar variation 1429480 (VCV001429480.3), dbSNP rs552963632, ClinGen allele CA2660341.
Genomic context (GRCh38, chr3:149,162,808, plus strand): 5'-CTCAGCTAGTGGCATGTCTCCCAGATGTGGTACTTCAGGAACTCTTTTTCAAACTCACAT[C>T]ACAGTACATCTGGAGATTGTCTAAGAGGCAGCCTCCTGACACCACACCATTGCGAACATC-3'
Protein context (NP_115759.2, residues 794-814): VLQELFFKLT[Ser804Leu]QYIWRLSKRQ